The following is an entry in ClinVar:

NM_018489.3(ASH1L):c.6880A>T (p.Asn2294Tyr)

Gene: ASH1L (ASH1 like histone lysine methyltransferase; minus strand). Cytogenetic location: 1q22.
Variant type: single nucleotide variant.
Coding change: c.6880A>T on transcript NM_018489.3 (MANE Select); coding-DNA position 6880, A replaced by T.
Protein change: p.Asn2294Tyr; replaces asparagine 2294 with tyrosine.
Molecular consequence: missense variant.
Genome position (GRCh38, 1-based): chr1:155,357,665, T>A on the plus strand (A>T on the coding strand, the complement: ASH1L is on the minus strand). VCF-style: chr1-155357665-T-A. GRCh37 (hg19) VCF-style: chr1-155327456-T-A.
Other names: c.6895A>T, p.Asn2299Tyr (NM_001366177.2); short protein forms N2294Y, N2299Y.
Identifiers: ClinVar variation 2639407 (VCV002639407.24), dbSNP rs1654538236, ClinGen allele CA342750370.

ClinVar aggregate classification (germline): Uncertain significance (1 of 4 stars; one submission).

Allele frequency attached by ClinVar (database versions not stated): gnomAD exomes below 0.00001; TOPMed below 0.00001.
gnomAD v4.1: 2 of 1,614,146 alleles (0.00012%); highest among the groups gnomAD compares: Non-Finnish European, 0.00017%; no homozygotes.

Submission:

CeGaT Center for Human Genetics Tuebingen
Classification: Uncertain significance. Last evaluated: 2022-05-01. Review status: criteria provided, single submitter. Criteria: CeGaT Center For Human Genetics Tuebingen Variant Classification Criteria Version 2. Collection method: clinical testing. Allele origin: germline. Affected: yes. Observed: 1 variant allele.
Comment: ASH1L: PM2, PP2, BP4